The following is an entry in ClinVar:

NM_000277.3(PAH):c.593A>G (p.Tyr198Cys)

Gene: PAH (phenylalanine hydroxylase; minus strand). Cytogenetic location: 12q23.2.
Variant type: single nucleotide variant.
Coding change: c.593A>G on transcript NM_000277.3 (MANE Select); coding-DNA position 593, A replaced by G.
Protein change: p.Tyr198Cys; replaces tyrosine 198 with cysteine.
Molecular consequence: missense variant.
Genome position (GRCh38, 1-based): chr12:102,855,249, T>C on the plus strand (A>G on the coding strand, the complement: PAH is on the minus strand). VCF-style: chr12-102855249-T-C. GRCh37 (hg19) VCF-style: chr12-103249027-T-C.
Other names: c.593A>G, p.Tyr198Cys (NM_001354304.2); short protein forms Y198C.
Identifiers: ClinVar variation 4744950 (VCV004744950.1).

ClinVar aggregate classification (germline): Uncertain significance (1 of 4 stars; one submission).

Conditions:
Phenylketonuria (PKU). Also called: FOLLING DISEASE; OLIGOPHRENIA PHENYLPYRUVICA; Phenylketonurias; Phenylketonuria (PKU). Identifiers: Orphanet 716, MedGen C0031485, MONDO:0009861, OMIM 261600. Disease mechanism: loss of function.

Submission:

Labcorp Genetics (formerly Invitae), Labcorp
Classification: Uncertain significance for Phenylketonuria. Last evaluated: 2025-12-16. Review status: criteria provided, single submitter. Criteria: Invitae Variant Classification Sherloc (09022015). Collection method: clinical testing. Allele origin: germline.
Comment: This sequence change replaces tyrosine, which is neutral and polar, with cysteine, which is neutral and slightly polar, at codon 198 of the PAH protein (p.Tyr198Cys). This variant is not present in population databases (gnomAD no frequency). This missense change has been observed in individual(s) with a positive newborn screening result for PAH-related disease (internal data). Invitae Evidence Modeling of protein sequence and biophysical properties (such as structural, functional, and spatial information, amino acid conservation, physicochemical variation, residue mobility, and thermodynamic stability) has been performed for this missense variant. However, the output from this modeling did not meet the statistical confidence thresholds required to predict the impact of this variant on PAH protein function. In summary, the available evidence is currently insufficient to determine the role of this variant in disease. Therefore, it has been classified as a Variant of Uncertain Significance.